The following is an entry in ClinVar:

NM_004168.4(SDHA):c.1960T>C (p.Cys654Arg)

Gene: SDHA (succinate dehydrogenase complex flavoprotein subunit A; plus strand). Cytogenetic location: 5p15.33.
Variant type: single nucleotide variant.
Coding change: c.1960T>C on transcript NM_004168.4 (MANE Select); coding-DNA position 1960, T replaced by C.
Protein change: p.Cys654Arg; replaces cysteine 654 with arginine.
Molecular consequence: missense variant.
Genome position (GRCh38, 1-based): chr5:256,385, T>C. VCF-style: chr5-256385-T-C. GRCh37 (hg19) VCF-style: chr5-256500-T-C.
Other names: c.1816T>C, p.Cys606Arg (NM_001294332.2); c.1717T>C, p.Cys573Arg (NM_001330758.2); short protein forms C606R, C654R, C573R.
Identifiers: ClinVar variation 820423 (VCV000820423.4), dbSNP rs60587941, ClinGen allele CA359003000.

ClinVar aggregate classification (germline): Uncertain significance (1 of 4 stars; one submission).

Conditions:
Hereditary cancer-predisposing syndrome. Also called: Neoplastic Syndromes, Hereditary; Tumor predisposition; Hereditary Cancer Syndrome; Hereditary neoplastic syndrome. Identifiers: Orphanet 140162, MedGen C0027672, MeSH D009386, MONDO:0015356.

gnomAD v4.1: 1 of 1,613,968 alleles (0.000062%); highest among the groups gnomAD compares: Non-Finnish European, 0.000085%; no homozygotes.

Submission:

Ambry Genetics
Classification: Uncertain significance for Hereditary cancer-predisposing syndrome. Last evaluated: 2018-09-30. Review status: criteria provided, single submitter. Criteria: Ambry Variant Classification Scheme 2023. Collection method: clinical testing. Allele origin: germline.
Comment: The p.C654R variant (also known as c.1960T>C), located in coding exon 15 of the SDHA gene, results from a T to C substitution at nucleotide position 1960. The cysteine at codon 654 is replaced by arginine, an amino acid with highly dissimilar properties. This amino acid position is highly conserved in available vertebrate species. In addition, this alteration is predicted to be deleterious by in silico analysis. Since supporting evidence is limited at this time, the clinical significance of this alteration remains unclear.